The following is an entry in ClinVar:

ClinVar aggregate classification (germline): Likely pathogenic. Review status: criteria provided, multiple submitters, no conflicts (2 of 4 stars). 2 submissions from 2 submitters: Likely pathogenic (2). Last evaluated 2025-04-22.

Conditions:
Rubinstein-Taybi syndrome due to CREBBP mutations (RSTS1). Also called: RUBINSTEIN SYNDROME; RUBINSTEIN-TAYBI SYNDROME 1, INCOMPLETE; Rubinstein-Taybi syndrome 1; CREBBP-Related Rubinstein-Taybi Syndrome; BROAD THUMB-HALLUX SYNDROME; BROAD THUMBS AND GREAT TOES, CHARACTERISTIC FACIES, AND IMPAIRED INTELLECTUAL DEVELOPMENT. Identifiers: Orphanet 353277, Orphanet 783, MedGen C4551859, MONDO:0008393, OMIM 180849.

Submissions (2):

GeneDx
Classification: Likely pathogenic. Last evaluated: 2025-04-22. Review status: criteria provided, single submitter. Criteria: GeneDx Variant Classification Process June 2021. Collection method: clinical testing. Allele origin: germline. Affected: yes.
Comment: Not observed at significant frequency in large population cohorts (gnomAD); In silico analysis supports that this missense variant has a deleterious effect on protein structure/function; This variant is associated with the following publications: (PMID: 12070251, 32827181)

Wessex Regional Genetics Laboratory, Salisbury District Hospital
Classification: Likely pathogenic for Rubinstein-Taybi syndrome due to CREBBP mutations. Last evaluated: 2019-11-05. Review status: criteria provided, single submitter. Criteria: ACMG Guidelines, 2015. Collection method: clinical testing. Allele origin: unknown, de novo. Inheritance: Autosomal dominant inheritance. Affected: yes. Observed: 2 variant alleles.

NM_004380.3(CREBBP):c.4277C>G (p.Thr1426Arg)

Gene: CREBBP (CREB binding lysine acetyltransferase; minus strand). Cytogenetic location: 16p13.3.
Variant type: single nucleotide variant.
Coding change: c.4277C>G on transcript NM_004380.3 (MANE Select); coding-DNA position 4277, C replaced by G.
Protein change: p.Thr1426Arg; replaces threonine 1426 with arginine.
Molecular consequence: missense variant.
Genome position (GRCh38, 1-based): chr16:3,739,581, G>C on the plus strand (C>G on the coding strand, the complement: CREBBP is on the minus strand). VCF-style: chr16-3739581-G-C. GRCh37 (hg19) VCF-style: chr16-3789582-G-C.
Other names: c.4163C>G, p.Thr1388Arg (NM_001079846.1); short protein forms T1388R, T1426R.
Identifiers: ClinVar variation 694784 (VCV000694784.2), dbSNP rs145988918, ClinGen allele CA394564684.